The following is an entry in ClinVar:

NM_016604.4(KDM3B):c.3692A>T (p.Gln1231Leu)

Gene: KDM3B (lysine demethylase 3B; plus strand). Cytogenetic location: 5q31.2.
Variant type: single nucleotide variant.
Coding change: c.3692A>T on transcript NM_016604.4 (MANE Select); coding-DNA position 3692, A replaced by T.
Protein change: p.Gln1231Leu; replaces glutamine 1231 with leucine.
Molecular consequence: missense variant.
Genome position (GRCh38, 1-based): chr5:138,419,209, A>T. VCF-style: chr5-138419209-A-T. GRCh37 (hg19) VCF-style: chr5-137754898-A-T.
Other names: short protein forms Q1231L.
Identifiers: ClinVar variation 3533052 (VCV003533052.3).

ClinVar aggregate classification (germline): Uncertain significance. Review status: criteria provided, multiple submitters, no conflicts (2 of 4 stars). 2 submissions from 2 submitters: Uncertain significance (2). Last evaluated 2025-11-14.

Conditions:
Diets-Jongmans syndrome. Also called: INTELLECTUAL DEVELOPMENTAL DISORDER WITH DISTINCTIVE FACIAL DYSMORPHISM. Identifiers: MedGen C5394263, MONDO:0030012, OMIM 618846.
Inborn genetic diseases. Identifiers: MedGen C0950123, MeSH D030342.

gnomAD v4.1: 19 of 1,613,330 alleles (0.0012%); highest among the groups gnomAD compares: African/African-American, 0.025%; no homozygotes.

Submissions (2):

Dasa
Classification: Uncertain significance for Diets-Jongmans syndrome. Last evaluated: 2025-11-14. Review status: criteria provided, single submitter. Criteria: DASA Assertion Criteria. Collection method: clinical testing. Allele origin: germline.
Comment: NM_016604.4(KDM3B):c.3692A>T (p.Gln1231Leu) is a missense variant that results in the substitution of glutamine with leucine. This variant is rare in population databases. The currently available literature and clinical evidence are not sufficient to establish a definitive association between this variant and the reported condition. Therefore, this variant is classified as a variant of uncertain significance.

Ambry Genetics
Classification: Uncertain significance for Inborn genetic diseases. Last evaluated: 2024-07-07. Review status: criteria provided, single submitter. Criteria: Ambry Variant Classification Scheme 2023. Collection method: clinical testing. Allele origin: germline.